The following is an entry in ClinVar:

ClinVar aggregate classification (germline): Conflicting classifications of pathogenicity. Review status: criteria provided, conflicting classifications (1 of 4 stars). 9 submissions from 9 submitters: Uncertain significance (4); Benign (2); Likely benign (3). Last evaluated 2026-07-20.

Conditions:
Tuberous sclerosis syndrome (TSC). Also called: Tuberous sclerosis; Tuberous Sclerosis Complex. Identifiers: Orphanet 805, MedGen C0041341, MONDO:0001734.
Tuberous sclerosis 2 (TSC2). Identifiers: Orphanet 805, MedGen C1860707, MONDO:0013199, OMIM 613254.
TSC2-related disorder. Also called: TSC2-related condition; TSC2-Related Disorders.
Hereditary cancer-predisposing syndrome. Also called: Neoplastic Syndromes, Hereditary; Tumor predisposition; Hereditary Cancer Syndrome; Hereditary neoplastic syndrome. Identifiers: Orphanet 140162, MedGen C0027672, MeSH D009386, MONDO:0015356.

Allele frequency attached by ClinVar (database versions not stated): gnomAD exomes below 0.00001; gnomAD 0.00001; TOPMed 0.00001.
gnomAD v4.1: 39 of 1,612,548 alleles (0.0024%); highest among the groups gnomAD compares: Non-Finnish European, 0.0032%; no homozygotes.

Submissions (9):

PreventionGenetics, part of Exact Sciences
Classification: Likely benign for TSC2-related condition. Last evaluated: 2026-07-20. Review status: criteria provided, single submitter. Criteria: ACMG Guidelines, 2015. Collection method: clinical testing. Allele origin: germline.
Comment: This variant is classified as likely benign based on ACMG/AMP sequence variant interpretation guidelines (Richards et al. 2015 PMID: 25741868, with internal and published modifications).

Labcorp Genetics (formerly Invitae), Labcorp
Classification: Benign for Tuberous sclerosis 2. Last evaluated: 2026-01-28. Review status: criteria provided, single submitter. Criteria: Invitae Variant Classification Sherloc (09022015). Collection method: clinical testing. Allele origin: germline.

Ambry Genetics
Classification: Likely benign for Hereditary cancer-predisposing syndrome. Last evaluated: 2025-12-11. Review status: criteria provided, single submitter. Criteria: Ambry Variant Classification Scheme 2023. Collection method: clinical testing. Allele origin: germline.

Clinical Genomics Laboratory, Washington University in St. Louis
Classification: Uncertain significance for Tuberous sclerosis 2. Last evaluated: 2025-10-31. Review status: criteria provided, single submitter. Criteria: ACMG Guidelines, 2015. Collection method: clinical testing. Allele origin: germline.
Comment: A TSC2 c.5332G>A (p.Ala1778Thr) variant was identified at a near-heterozygous allelic fraction of 49.0%, a frequency which may be consistent with it being of germline origin. The TSC2 c.5332G>A (p.Ala1778Thr) variant, to our knowledge, has not been reported in the medical literature. This variant is observed on 39/1,612,548 alleles in the general population (gnomAD v4.1.0). Computational predictors are uncertain as to the impact of this variant on TSC2 function. This variant has been reported in the ClinVar database as a germline variant of uncertain significance by four submitters, likely benign by one submitter, and benign by two submitters (ClinVar Variation ID: 571016). Due to limited information, and based on ACMG/AMP guidelines for variant interpretation (Richards S et al., PMID: 25741868), the clinical significance of this variant is uncertain at this time.

All of Us Research Program, National Institutes of Health
Classification: Uncertain significance for Tuberous sclerosis syndrome. Last evaluated: 2024-02-05. Review status: criteria provided, single submitter. Criteria: ACMG Guidelines, 2015. Collection method: clinical testing. Allele origin: germline. Inheritance: Autosomal dominant inheritance. Observed: 4 variant alleles, 4 heterozygotes.
Comment: This missense variant replaces alanine with threonine at codon 1778 of the TSC2 protein. Computational prediction suggests that this variant may not impact protein structure and function (internally defined REVEL score threshold <= 0.5, PMID: 27666373). To our knowledge, functional studies have not been reported for this variant. This variant has not been reported in individuals affected with TSC2-related disorders in the literature. This variant has been identified in 1/249796 chromosomes in the general population by the Genome Aggregation Database (gnomAD). The available evidence is insufficient to determine the role of this variant in disease conclusively. Therefore, this variant is classified as a Variant of Uncertain Significance.

This study involves interpretation of variants in research participants for the purpose of population health screening. Participant phenotype was not available at the time of variant classification. Additional details can be found in publication PMID: 35346344, PMCID: PMC8962531

Sema4
Classification: Uncertain significance for Hereditary cancer-predisposing syndrome. Last evaluated: 2022-01-18. Review status: criteria provided, single submitter. Criteria: Sema4 Curation Guidelines. Collection method: curation. Allele origin: germline.
Comment: The TSC2 c.5332G>A (p.A1778T) variant has not been reported in the literature to our knowledge. It was observed in 1/112612 chromosomes of the Non-Finnish European subpopulation in the large and broad cohorts of the Genome Aggregation Database (PMID: 32461654). The variant has been reported in ClinVar (Variation ID 571016). Functional studies have not been performed, and in silico predictions of the variant's effect on protein function are inconclusive. The evidence is insufficient to meet ACMG/AMP criteria for classifying the variant as benign or pathogenic. Thus, the clinical significance of this variant is currently uncertain.

Genome-Nilou Lab
Classification: Benign for Tuberous sclerosis 2. Last evaluated: 2021-11-07. Review status: criteria provided, single submitter. Criteria: ACMG Guidelines, 2015. Collection method: clinical testing. Allele origin: germline. Affected: no.

GeneDx
Classification: Likely benign. Last evaluated: 2020-03-10. Review status: criteria provided, single submitter. Criteria: GeneDx Variant Classification Process June 2021. Collection method: clinical testing. Allele origin: germline. Affected: yes.

Eurofins Ntd Llc (ga)
Classification: Uncertain significance. Last evaluated: 2018-01-04. Review status: criteria provided, single submitter. Criteria: EGL Classification Definitions 2015. Collection method: clinical testing. Allele origin: germline. Observed: 1 variant allele, 1 heterozygote.

NM_000548.5(TSC2):c.5332G>A (p.Ala1778Thr)

Gene: TSC2 (TSC complex subunit 2; plus strand). Cytogenetic location: 16p13.3.
Variant type: single nucleotide variant.
Coding change: c.5332G>A on transcript NM_000548.5 (MANE Select); coding-DNA position 5332, G replaced by A.
Protein change: p.Ala1778Thr; replaces alanine 1778 with threonine.
Molecular consequence: missense variant.
Genome position (GRCh38, 1-based): chr16:2,088,518, G>A. VCF-style: chr16-2088518-G-A. GRCh37 (hg19) VCF-style: chr16-2138519-G-A.
Other names: c.5332G>A (NM_000548.4); c.5131G>A, p.Ala1711Thr (NM_001077183.3); c.5263G>A, p.Ala1755Thr (NM_001114382.3); c.5023G>A, p.Ala1675Thr (NM_001318827.2); c.4987G>A, p.Ala1663Thr (NM_001318829.2); c.4600G>A, p.Ala1534Thr (NM_001318831.2); c.5164G>A, p.Ala1722Thr (NM_001318832.2); c.5134G>A, p.Ala1712Thr (NM_001363528.2); and 3 more; short protein forms A1778T, A1663T, A1711T, A1534T, A1712T, A1735T, A1755T, A1675T.
Identifiers: ClinVar variation 571016 (VCV000571016.29), dbSNP rs1245934608, ClinGen allele CA16622078.